The following is an entry in ClinVar:

ClinVar aggregate classification (germline): Pathogenic (1 of 4 stars; one submission).

Allele frequency attached by ClinVar (database versions not stated): gnomAD exomes below 0.00001; TOPMed below 0.00001; gnomAD 0.00001.

Submission:

GeneDx
Classification: Pathogenic. Last evaluated: 2024-04-01. Review status: criteria provided, single submitter. Criteria: GeneDx Variant Classification Process June 2021. Collection method: clinical testing. Allele origin: germline. Affected: yes.
Comment: Frameshift variant predicted to result in protein truncation or nonsense mediated decay in a gene for which loss of function is a known mechanism of disease; Not observed at significant frequency in large population cohorts (gnomAD); Has not been previously published as pathogenic or benign to our knowledge

NM_025152.3(NUBPL):c.774dup (p.Ala259fs)

Gene: NUBPL (NUBP iron-sulfur cluster assembly factor, mitochondrial; plus strand). Cytogenetic location: 14q12.
Variant type: Duplication.
Coding change: c.774dup on transcript NM_025152.3 (MANE Select); coding-DNA position 774, one base duplicated (T; older notation c.774dupT).
Protein change: p.Ala259fs; shifts the reading frame from alanine 259.
Molecular consequence: frameshift variant. On other transcripts: non-coding transcript variant (1).
Genome position (GRCh38, 1-based): chr14:31,846,551, T duplicated. VCF-style (leftmost placement, unchanged base first): chr14-31846550-G-GT. GRCh37 (hg19) VCF-style: chr14-32315756-G-GT.
Other names: c.486dup, p.Ala163fs (NM_001201573.2); c.225dup, p.Ala76fs (NM_001201574.2); c.774dupT (NM_025152.2); c.774dup (NM_025152.2); short protein forms A76fs, A259fs, A163fs.
Identifiers: ClinVar variation 817927 (VCV000817927.2), dbSNP rs1431275151, ClinGen allele CA485992461.